The following is an entry in ClinVar:

NM_000057.4(BLM):c.3923G>A (p.Gly1308Glu)

Gene: BLM (BLM RecQ like helicase; plus strand). Cytogenetic location: 15q26.1.
Variant type: single nucleotide variant.
Coding change: c.3923G>A on transcript NM_000057.4 (MANE Select); coding-DNA position 3923, G replaced by A.
Protein change: p.Gly1308Glu; replaces glycine 1308 with glutamic acid.
Molecular consequence: missense variant.
Genome position (GRCh38, 1-based): chr15:90,811,253, G>A. VCF-style: chr15-90811253-G-A. GRCh37 (hg19) VCF-style: chr15-91354483-G-A.
Other names: c.3923G>A, p.Gly1308Glu (NM_001287246.2); c.3530G>A, p.Gly1177Glu (NM_001287247.2); c.2798G>A, p.Gly933Glu (NM_001287248.2); short protein forms G1308E, G1177E, G933E.
Identifiers: ClinVar variation 405320 (VCV000405320.18), dbSNP rs750865930, ClinGen allele CA7739163.
Genomic context (GRCh38, chr15:90,811,253, plus strand): 5'-TTCCATTTGTAGCTGAAGACAGTTCCCCAGGGATAAGCCTGTCCAGCAGCAGAGGCCCCG[G>A]AAGAAGTGCCGCTGAGGAGCTCGACGAGGAAATACCCGTATCTTCCCACTACTTTGCAAG-3'
Protein context (NP_000048.1, residues 1298-1318): GISLSSSRGP[Gly1308Glu]RSAAEELDEE

ClinVar aggregate classification (germline): Uncertain significance. Review status: criteria provided, multiple submitters, no conflicts (2 of 4 stars). 3 submissions from 3 submitters: Uncertain significance (2). 1 of the submissions does not count toward it. Last evaluated 2026-01-01.

Conditions:
Hereditary cancer-predisposing syndrome. Also called: Hereditary Cancer Syndrome; Hereditary neoplastic syndrome; Neoplastic Syndromes, Hereditary; Tumor predisposition. Identifiers: Orphanet 140162, MedGen C0027672, MeSH D009386, MONDO:0015356.
Bloom syndrome (BLM). Also called: Bloom-Torre-Machacek syndrome. Identifiers: Orphanet 125, MedGen C0005859, MONDO:0008876, OMIM 210900.

Allele frequency attached by ClinVar (database versions not stated): ExAC 0.00001; gnomAD 0.00001; gnomAD exomes 0.00001.
gnomAD v4.1: 6 of 1,613,996 alleles (0.00037%); highest among the groups gnomAD compares: Non-Finnish European, 0.00051%; no homozygotes.

Submissions (3):

Labcorp Genetics (formerly Invitae), Labcorp
Classification: Uncertain significance for Bloom syndrome. Last evaluated: 2026-01-01. Review status: criteria provided, single submitter. Criteria: Invitae Variant Classification Sherloc (09022015). Collection method: clinical testing. Allele origin: germline.
Comment: This sequence change replaces glycine, which is neutral and non-polar, with glutamic acid, which is acidic and polar, at codon 1308 of the BLM protein (p.Gly1308Glu). This variant is present in population databases (rs750865930, gnomAD 0.002%). This variant has not been reported in the literature in individuals affected with BLM-related conditions. ClinVar contains an entry for this variant (Variation ID: 405320). Invitae Evidence Modeling of protein sequence and biophysical properties (such as structural, functional, and spatial information, amino acid conservation, physicochemical variation, residue mobility, and thermodynamic stability) indicates that this missense variant is not expected to disrupt BLM protein function with a negative predictive value of 80%. In summary, the available evidence is currently insufficient to determine the role of this variant in disease. Therefore, it has been classified as a Variant of Uncertain Significance.

Ambry Genetics
Classification: Uncertain significance for Hereditary cancer-predisposing syndrome. Last evaluated: 2025-10-27. Review status: criteria provided, single submitter. Criteria: Ambry Variant Classification Scheme 2023. Collection method: clinical testing. Allele origin: germline.
Comment: The p.G1308E variant (also known as c.3923G>A), located in coding exon 20 of the BLM gene, results from a G to A substitution at nucleotide position 3923. The glycine at codon 1308 is replaced by glutamic acid, an amino acid with similar properties. This amino acid position is not well conserved in available vertebrate species. In addition, this alteration is predicted to be tolerated by in silico analysis. Since supporting evidence is limited at this time, the clinical significance of this alteration remains unclear.

Natera, Inc.
Classification: Uncertain significance for Bloom syndrome. Last evaluated: 2020-12-29. Review status: no assertion criteria provided. Collection method: clinical testing. Allele origin: germline. Not counted in ClinVar's aggregate classification.